The following is an entry in ClinVar:

ClinVar aggregate classification (germline): Uncertain significance (1 of 4 stars; one submission).

Submission:

GeneDx
Classification: Uncertain significance. Last evaluated: 2022-09-28. Review status: criteria provided, single submitter. Criteria: GeneDx Variant Classification Process June 2021. Collection method: clinical testing. Allele origin: germline. Affected: yes.
Comment: Has not been previously published as pathogenic or benign to our knowledge; Not observed at significant frequency in large population cohorts (gnomAD); In silico analysis supports that this missense variant has a deleterious effect on protein structure/function

NM_001105206.3(LAMA4):c.3136C>G (p.Arg1046Gly)

Gene: LAMA4 (laminin subunit alpha 4; minus strand). Cytogenetic location: 6q21.
Variant type: single nucleotide variant.
Coding change: c.3136C>G on transcript NM_001105206.3 (MANE Select); coding-DNA position 3136, C replaced by G.
Protein change: p.Arg1046Gly; replaces arginine 1046 with glycine.
Molecular consequence: missense variant.
Genome position (GRCh38, 1-based): chr6:112,139,266, G>C on the plus strand (C>G on the coding strand, the complement: LAMA4 is on the minus strand). VCF-style: chr6-112139266-G-C. GRCh37 (hg19) VCF-style: chr6-112460468-G-C.
Other names: p.R1039G:CGG>GGG; c.3115C>G, p.Arg1039Gly (NM_001105207.3, NM_002290.5); short protein forms R1039G, R1046G.
Identifiers: ClinVar variation 213593 (VCV000213593.6), dbSNP rs863223688, ClinGen allele CA324616.
Genomic context (GRCh38, chr6:112,139,266, plus strand): 5'-TCCTTGTGATGTCTCTCACCACGGCATAACCGGAGCCATCGAAGAAGTAACTGGCAGCCC[G>C]ACTCTGAGTGAAGGCCAGCTTATCTCTGAAATGGAAACACAACGGTCATTTGAACACTAC-3'
Protein context (NP_001098676.2, residues 1036-1056): ARDKLAFTQS[Arg1046Gly]AASYFFDGSG